The following is an entry in ClinVar:

ClinVar aggregate classification (germline): Likely benign. Review status: criteria provided, multiple submitters, no conflicts (2 of 4 stars). 2 submissions from 2 submitters: Likely benign (2). Last evaluated 2018-06-14.

Allele frequency attached by ClinVar (database versions not stated): gnomAD 0.00716 and 0.00783; TOPMed 0.00814; 1000 Genomes Project 0.00899; 1000 Genomes Project 30x 0.00968.
gnomAD v4.1: 1,641 of 834,912 alleles (0.2%); highest among the groups gnomAD compares: African/African-American, 2.5%; 18 homozygotes.

Submissions (2):

GeneDx
Classification: Likely benign. Last evaluated: 2018-06-14. Review status: criteria provided, single submitter. Criteria: GeneDx Variant Classification (06012015). Collection method: clinical testing. Allele origin: germline. Affected: yes.
Comment: This variant is considered likely benign or benign based on one or more of the following criteria: it is a conservative change, it occurs at a poorly conserved position in the protein, it is predicted to be benign by multiple in silico algorithms, and/or has population frequency not consistent with disease.

Breakthrough Genomics
Classification: Likely benign. Review status: criteria provided, single submitter. Criteria: ACMG Guidelines, 2015. Collection method: not provided. Allele origin: germline. Inheritance: Autosomal dominant inheritance. Affected: yes.

NM_000393.5(COL5A2):c.645+108C>T

Gene: COL5A2 (collagen type V alpha 2 chain; minus strand). Cytogenetic location: 2q32.2.
Variant type: single nucleotide variant.
Coding change: c.645+108C>T on transcript NM_000393.5 (MANE Select); 108 bases into the intron after coding-DNA position 645, C replaced by T.
Molecular consequence: intron variant.
Genome position (GRCh38, 1-based): chr2:189,088,587, G>A on the plus strand (C>T on the coding strand, the complement: COL5A2 is on the minus strand). VCF-style: chr2-189088587-G-A. GRCh37 (hg19) VCF-style: chr2-189953313-G-A.
Identifiers: ClinVar variation 676057 (VCV000676057.2), dbSNP rs115949351, ClinGen allele CA62569566.